The following is an entry in ClinVar:

ClinVar aggregate classification (germline): Benign. Review status: criteria provided, multiple submitters, no conflicts (2 of 4 stars). 22 submissions from 13 submitters: Benign (18). 4 of the submissions do not count toward it. Last evaluated 2026-02-04.

Conditions:
Vitelliform macular dystrophy 3 (VMD3). Also called: PRPH2 vitelliform macular dystrophy; vitelliform macular dystrophy caused by mutation in PRPH2. Identifiers: MedGen CN295869, MONDO:0024561, OMIM 608161.
PRPH2-related disorder. Also called: PRPH2-related disorders; PRPH2-related condition. Identifiers: MedGen CN239395.
Retinal dystrophy. Also called: Inherited retinal dystrophy. Identifiers: Orphanet 71862, MedGen C0854723, MeSH D058499, MONDO:0019118, HP:0000556.
Retinitis pigmentosa (RP). Identifiers: Orphanet 791, MedGen C0035334, MeSH D012174, MONDO:0019200, OMIM 268000. Inheritance: Autosomal dominant, autosomal recessive and X linked inheritance.
Patterned macular dystrophy 1. Also called: BUTTERFLY DYSTROPHY OF RETINAL PIGMENT EPITHELIUM; MACULAR DYSTROPHY, BUTTERFLY-SHAPED PIGMENTARY. Identifiers: Orphanet 99001, MedGen C4551999, MONDO:0008210, OMIM 169150.
Retinitis pigmentosa 7 (RP7). Identifiers: Orphanet 791, MedGen C1842475, MONDO:0011974, OMIM 608133.
Choroidal dystrophy, central areolar 2 (CACD2). Also called: Choriodal Dystrophy, Central Areolar 2; MACULAR DYSTROPHY, PROGRESSIVE. Identifiers: Orphanet 75377, MedGen C2751290, MONDO:0013137, OMIM 613105.
Pigmentary retinal dystrophy. Also called: Fundus albipunctatus. Identifiers: Orphanet 227796, Orphanet 52427, MedGen C0311338, MONDO:0007639, OMIM 136880, HP:0030642.
Cone-rod dystrophy. Also called: Cone/cone-rod dystrophy; Cone-rod degeneration. Identifiers: Orphanet 1872, MedGen C4085590, MONDO:0015993, HP:0000548.
Adult-onset foveomacular vitelliform dystrophy. Also called: FOVEOMACULAR DYSTROPHY, ADULT-ONSET, WITH OR WITHOUT CHOROIDAL NEOVASCULARIZATION; Adult onset vitelliform dystrophy; FOVEOMACULAR DYSTROPHY, ADULT-ONSET. Identifiers: Orphanet 99000, MedGen C1842914, MONDO:0011979.

Allele frequency attached by ClinVar (database versions not stated): 1000 Genomes Project 30x 0.75437; gnomAD exomes 0.77488; ESP Exome Variant Server 0.77680; TOPMed 0.76810; gnomAD 0.78498; 1000 Genomes Project 0.75659; ExAC 0.77740.

Submissions (22):

Labcorp Genetics (formerly Invitae), Labcorp
Classification: Benign for PRPH2-related disorder. Last evaluated: 2026-02-04. Review status: criteria provided, single submitter. Criteria: Invitae Variant Classification Sherloc (09022015). Collection method: clinical testing. Allele origin: germline.

Blueprint Genetics
Classification: Benign. Last evaluated: 2024-11-27. Review status: criteria provided, single submitter. Criteria: ACMG Guidelines, 2015. Collection method: clinical testing. Allele origin: germline.

Dept Of Ophthalmology, Nagoya University
Classification: Benign for Retinal dystrophy. Last evaluated: 2023-10-01. Review status: criteria provided, single submitter. Criteria: Submitter's publication. Collection method: research. Allele origin: germline. Affected: yes.

Genome-Nilou Lab
Classification: Benign for Choroidal dystrophy, central areolar 2. Last evaluated: 2021-10-25. Review status: criteria provided, single submitter. Criteria: ACMG Guidelines, 2015. Collection method: clinical testing. Allele origin: germline. Affected: no.

Genome-Nilou Lab
Classification: Benign for Retinitis pigmentosa 7. Last evaluated: 2021-10-25. Review status: criteria provided, single submitter. Criteria: ACMG Guidelines, 2015. Collection method: clinical testing. Allele origin: germline. Affected: no.

Genome-Nilou Lab
Classification: Benign for Patterned macular dystrophy 1. Last evaluated: 2021-10-25. Review status: criteria provided, single submitter. Criteria: ACMG Guidelines, 2015. Collection method: clinical testing. Allele origin: germline. Affected: no.

Genome-Nilou Lab
Classification: Benign for Vitelliform macular dystrophy 3. Last evaluated: 2021-10-25. Review status: criteria provided, single submitter. Criteria: ACMG Guidelines, 2015. Collection method: clinical testing. Allele origin: germline. Affected: no.

Genome-Nilou Lab
Classification: Benign for Pigmentary retinal dystrophy. Last evaluated: 2021-10-25. Review status: criteria provided, single submitter. Criteria: ACMG Guidelines, 2015. Collection method: clinical testing. Allele origin: germline. Affected: no.

Mendelics
Classification: Benign for Patterned macular dystrophy 1. Last evaluated: 2019-05-28. Review status: criteria provided, single submitter. Criteria: Mendelics Assertion Criteria 2017. Collection method: clinical testing. Allele origin: unknown.

Illumina Laboratory Services, Illumina
Classification: Benign for Vitelliform macular dystrophy 3. Last evaluated: 2018-01-13. Review status: criteria provided, single submitter. Criteria: ICSL Variant Classification Criteria 13 December 2019. Collection method: clinical testing. Allele origin: germline.
Comment: This variant was observed in the ICSL laboratory as part of a predisposition screen in an ostensibly healthy population. It had not been previously curated by ICSL or reported in the Human Gene Mutation Database (HGMD: prior to June 1st, 2018), and was therefore a candidate for classification through an automated scoring system. Utilizing variant allele frequency, disease prevalence and penetrance estimates, and inheritance mode, an automated score was calculated to assess if this variant is too frequent to cause the disease. Based on the score and internal cut-off values, a variant classified as benign is not then subjected to further curation. The score for this variant resulted in a classification of benign for this disease.

Illumina Laboratory Services, Illumina
Classification: Benign for Choroidal dystrophy, central areolar 2. Last evaluated: 2018-01-13. Review status: criteria provided, single submitter. Criteria: ICSL Variant Classification Criteria 13 December 2019. Collection method: clinical testing. Allele origin: germline.
Comment: the same text as in the submission from Illumina Laboratory Services, Illumina above.

Illumina Laboratory Services, Illumina
Classification: Benign for Retinitis pigmentosa. Last evaluated: 2018-01-13. Review status: criteria provided, single submitter. Criteria: ICSL Variant Classification Criteria 13 December 2019. Collection method: clinical testing. Allele origin: germline.
Comment: the same text as in the submission from Illumina Laboratory Services, Illumina above.

Illumina Laboratory Services, Illumina
Classification: Benign for Pigmentary retinal dystrophy. Last evaluated: 2018-01-13. Review status: criteria provided, single submitter. Criteria: ICSL Variant Classification Criteria 13 December 2019. Collection method: clinical testing. Allele origin: germline.
Comment: the same text as in the submission from Illumina Laboratory Services, Illumina above.

Illumina Laboratory Services, Illumina
Classification: Benign for Cone-rod dystrophy. Last evaluated: 2018-01-13. Review status: criteria provided, single submitter. Criteria: ICSL Variant Classification Criteria 13 December 2019. Collection method: clinical testing. Allele origin: germline.
Comment: the same text as in the submission from Illumina Laboratory Services, Illumina above.

Illumina Laboratory Services, Illumina
Classification: Benign for Patterned macular dystrophy 1. Last evaluated: 2018-01-13. Review status: criteria provided, single submitter. Criteria: ICSL Variant Classification Criteria 13 December 2019. Collection method: clinical testing. Allele origin: germline.
Comment: the same text as in the submission from Illumina Laboratory Services, Illumina above.

Eurofins Ntd Llc (ga)
Classification: Benign. Last evaluated: 2014-04-28. Review status: criteria provided, single submitter. Criteria: EGL Classification Definitions 2015. Collection method: clinical testing. Allele origin: germline. Observed: 3 variant alleles, 1 heterozygote, 2 homozygotes.

GeneDx
Classification: Benign. Last evaluated: 2011-06-28. Review status: criteria provided, single submitter. Criteria: GeneDx Variant Classification (06012015). Collection method: clinical testing. Allele origin: germline. Affected: yes.
Comment: This variant is considered likely benign or benign based on one or more of the following criteria: it is a conservative change, it occurs at a poorly conserved position in the protein, it is predicted to be benign by multiple in silico algorithms, and/or has population frequency not consistent with disease.

PreventionGenetics, part of Exact Sciences
Classification: Benign. Review status: criteria provided, single submitter. Criteria: ACMG Guidelines, 2015. Collection method: clinical testing. Allele origin: germline.

Leiden Open Variation Database
Classification: Likely benign. Last evaluated: 2021-03-21. Review status: no assertion criteria provided. Collection method: curation. Allele origin: germline. Affected: yes. Not counted in ClinVar's aggregate classification.
Comment: Curator: Global Variome, with Curator vacancy. Submitters to LOVD: Julia Lopez, Yoshito Koyanagi.

Clinical Genetics DNA and cytogenetics Diagnostics Lab, Erasmus MC, Erasmus Medical Center
Classification: Benign. Review status: no assertion criteria provided. Collection method: clinical testing. Allele origin: germline. Affected: yes. Study: VKGL Data-share Consensus. Not counted in ClinVar's aggregate classification.

Diagnostic Laboratory, Department of Genetics, University Medical Center Groningen
Classification: Benign. Review status: no assertion criteria provided. Collection method: clinical testing. Allele origin: germline. Affected: yes. Study: VKGL Data-share Consensus. Not counted in ClinVar's aggregate classification.

Joint Genome Diagnostic Labs from Nijmegen and Maastricht, Radboudumc and MUMC+
Classification: Benign. Review status: no assertion criteria provided. Collection method: clinical testing. Allele origin: germline. Affected: yes. Study: VKGL Data-share Consensus. Not counted in ClinVar's aggregate classification.

Literature cited by the submitters: PubMed 16885924 (cited by Leiden Open Variation Database); PubMed 31213501 (cited by Leiden Open Variation Database).

NM_000322.5(PRPH2):c.910C>G (p.Gln304Glu)

Gene: PRPH2 (peripherin 2; minus strand). Cytogenetic location: 6p21.1.
Variant type: single nucleotide variant.
Coding change: c.910C>G on transcript NM_000322.5 (MANE Select); coding-DNA position 910, C replaced by G.
Protein change: p.Gln304Glu; replaces glutamine 304 with glutamic acid.
Molecular consequence: missense variant.
Genome position (GRCh38, 1-based): chr6:42,698,426, G>C on the plus strand (C>G on the coding strand, the complement: PRPH2 is on the minus strand). VCF-style: chr6-42698426-G-C. GRCh37 (hg19) VCF-style: chr6-42666164-G-C.
Other names: p.Q304E:CAG>GAG; short protein forms Q304E.
Identifiers: ClinVar variation 138904 (VCV000138904.28), dbSNP rs390659, ClinGen allele CA180351.